The following is an entry in ClinVar:

NM_182961.4(SYNE1):c.8065G>C (p.Glu2689Gln)

Gene: SYNE1 (spectrin repeat containing nuclear envelope protein 1; minus strand). Cytogenetic location: 6q25.2.
Variant type: single nucleotide variant.
Coding change: c.8065G>C on transcript NM_182961.4 (MANE Select); coding-DNA position 8065, G replaced by C.
Protein change: p.Glu2689Gln; replaces glutamic acid 2689 with glutamine.
Molecular consequence: missense variant.
Genome position (GRCh38, 1-based): chr6:152,390,392, C>G on the plus strand (G>C on the coding strand, the complement: SYNE1 is on the minus strand). VCF-style: chr6-152390392-C-G. GRCh37 (hg19) VCF-style: chr6-152711527-C-G.
Other names: c.8086G>C, p.Glu2696Gln (NM_033071.5); short protein forms E2696Q, E2689Q.
Identifiers: ClinVar variation 2039544 (VCV002039544.5), dbSNP rs766019755, ClinGen allele CA4057624.

ClinVar aggregate classification (germline): Uncertain significance. Review status: criteria provided, multiple submitters, no conflicts (2 of 4 stars). 2 submissions from 2 submitters: Uncertain significance (2). Last evaluated 2024-02-08.

Conditions:
Emery-Dreifuss muscular dystrophy 4, autosomal dominant (EDMD4). Also called: EMERY-DREIFUSS MUSCULAR DYSTROPHY 4 WITH VARIABLE FEATURES. Identifiers: Orphanet 261, MedGen C2751807, MONDO:0013071, OMIM 612998.
Autosomal recessive ataxia, Beauce type. Also called: SYNE1 Deficiency; Spinocerebellar ataxia, autosomal recessive 8; ATAXIA, RECESSIVE, OF BEAUCE; SYNE1-Related Autosomal Recessive Cerebellar Ataxia. Identifiers: Orphanet 88644, MedGen C1853116, MONDO:0012549, OMIM 610743.

Allele frequency attached by ClinVar (database versions not stated): gnomAD 0.00001; ExAC 0.00003.
gnomAD v4.1: 14 of 1,614,014 alleles (0.00087%); highest among the groups gnomAD compares: Admixed American, 0.022%; no homozygotes.

Submissions (2):

GeneDx
Classification: Uncertain significance. Last evaluated: 2024-02-08. Review status: criteria provided, single submitter. Criteria: GeneDx Variant Classification Process June 2021. Collection method: clinical testing. Allele origin: germline. Affected: yes.
Comment: In silico analysis supports that this missense variant does not alter protein structure/function; Has not been previously published as pathogenic or benign to our knowledge

Labcorp Genetics (formerly Invitae), Labcorp
Classification: Uncertain significance for Emery-Dreifuss muscular dystrophy 4, autosomal dominant; Autosomal recessive ataxia, Beauce type. Last evaluated: 2022-08-06. Review status: criteria provided, single submitter. Criteria: Invitae Variant Classification Sherloc (09022015). Collection method: clinical testing. Allele origin: germline.
Comment: In summary, the available evidence is currently insufficient to determine the role of this variant in disease. Therefore, it has been classified as a Variant of Uncertain Significance. Algorithms developed to predict the effect of missense changes on protein structure and function are either unavailable or do not agree on the potential impact of this missense change (SIFT: "Deleterious"; PolyPhen-2: "Benign"; Align-GVGD: "Class C0"). This variant has not been reported in the literature in individuals affected with SYNE1-related conditions. This variant is present in population databases (rs766019755, gnomAD 0.03%). This sequence change replaces glutamic acid, which is acidic and polar, with glutamine, which is neutral and polar, at codon 2696 of the SYNE1 protein (p.Glu2696Gln).